The following is an entry in ClinVar:

ClinVar aggregate classification (germline): Uncertain significance. Review status: criteria provided, multiple submitters, no conflicts (2 of 4 stars). 3 submissions from 3 submitters: Uncertain significance (3). Last evaluated 2025-03-15.

Conditions:
Age related macular degeneration 1 (ARMD1). Also called: MACULOPATHY, AGE-RELATED, 1. Identifiers: MedGen C1864205, MONDO:0011285, OMIM 603075.

Allele frequency attached by ClinVar (database versions not stated): gnomAD 0.00002; TOPMed 0.00004; ESP Exome Variant Server 0.00008.
gnomAD v4.1: 96 of 1,613,210 alleles (0.006%); highest among the groups gnomAD compares: Non-Finnish European, 0.0079%; no homozygotes.

Submissions (3):

Ambry Genetics
Classification: Uncertain significance. Last evaluated: 2025-03-15. Review status: criteria provided, single submitter. Criteria: Ambry Variant Classification Scheme 2023. Collection method: clinical testing. Allele origin: germline.

Labcorp Genetics (formerly Invitae), Labcorp
Classification: Uncertain significance. Last evaluated: 2024-12-24. Review status: criteria provided, single submitter. Criteria: Invitae Variant Classification Sherloc (09022015). Collection method: clinical testing. Allele origin: germline.
Comment: This sequence change replaces leucine, which is neutral and non-polar, with phenylalanine, which is neutral and non-polar, at codon 812 of the HMCN1 protein (p.Leu812Phe). This variant is present in population databases (rs367914815, gnomAD 0.004%). This variant has not been reported in the literature in individuals affected with HMCN1-related conditions. ClinVar contains an entry for this variant (Variation ID: 294123). An algorithm developed to predict the effect of missense changes on protein structure and function (PolyPhen-2) suggests that this variant is likely to be disruptive. In summary, the available evidence is currently insufficient to determine the role of this variant in disease. Therefore, it has been classified as a Variant of Uncertain Significance.

Illumina Laboratory Services, Illumina
Classification: Uncertain significance for Age related macular degeneration 1. Last evaluated: 2018-01-13. Review status: criteria provided, single submitter. Criteria: ICSL Variant Classification Criteria 13 December 2019. Collection method: clinical testing. Allele origin: germline.

NM_031935.3(HMCN1):c.2436A>C (p.Leu812Phe)

Gene: HMCN1 (hemicentin 1; plus strand). Cytogenetic location: 1q31.1.
Variant type: single nucleotide variant.
Coding change: c.2436A>C on transcript NM_031935.3 (MANE Select); coding-DNA position 2436, A replaced by C.
Protein change: p.Leu812Phe; replaces leucine 812 with phenylalanine.
Molecular consequence: missense variant.
Genome position (GRCh38, 1-based): chr1:185,977,851, A>C. VCF-style: chr1-185977851-A-C. GRCh37 (hg19) VCF-style: chr1-185946983-A-C.
Other names: short protein forms L812F.
Identifiers: ClinVar variation 294123 (VCV000294123.9), dbSNP rs367914815, ClinGen allele CA1291398.